The following is an entry in ClinVar:

NM_002473.6(MYH9):c.3202_3222dup (p.Gln1068_Leu1074dup)

Gene: MYH9 (myosin heavy chain 9; minus strand). Cytogenetic location: 22q12.3.
Variant type: Duplication.
Coding change: c.3202_3222dup on transcript NM_002473.6 (MANE Select); coding-DNA positions 3202 to 3222, 21 bases duplicated (CAGGCCCAGATCGCGGAGCTC).
Protein change: p.Gln1068_Leu1074dup.
Molecular consequence: inframe insertion.
Genome position (GRCh38, 1-based): chr22:36,296,893-36,296,913, GAGCTCCGCGATCTGGGCCTG duplicated on the plus strand (CAGGCCCAGATCGCGGAGCTC on the coding strand, the reverse complement: MYH9 is on the minus strand); duplicating any 21 consecutive bases within chr22:36,296,893-36,296,919 gives the same sequence; the c. name uses the placement nearest the transcript's 3' end. VCF-style (leftmost placement, unchanged base first): chr22-36296892-T-TGAGCTCCGCGATCTGGGCCTG. GRCh37 (hg19) VCF-style: chr22-36692938-T-TGAGCTCCGCGATCTGGGCCTG.
Identifiers: ClinVar variation 623098 (VCV000623098.3), dbSNP rs1603482974, ClinGen allele CA915951364.
Genomic context (GRCh38, chr22:36,296,892, plus strand): 5'-GGGGTCCTCACCTGGCCAGGGCGGCCTGGAGCTCCTCCTCTTTCTTGGCCAGCTGCATCT[T>TGAGCTCCGCGATCTGGGCCTG]GAGCTCCGCGATCTGGGCCTGGAGCTCGGCGATCTGGTCGCTGAGGTCTGTGGAGTCTCC-3'

ClinVar aggregate classification (germline): Uncertain significance (1 of 4 stars; one submission).

Conditions:
MYH9-related disorder. Identifiers: MedGen C1854520.

Submission:

NIHR Bioresource Rare Diseases, University of Cambridge
Classification: Uncertain significance for MYH9-related disorder. Last evaluated: 2018-12-12. Review status: criteria provided, single submitter. Criteria: ACMG Guidelines, 2015. Collection method: research. Allele origin: unknown. Inheritance: Autosomal dominant inheritance. Affected: yes. Observed: 1 heterozygote.
Comment: PM2, PM4, PP4